The following is an entry in ClinVar:

ClinVar aggregate classification (germline): Benign/Likely benign. Review status: criteria provided, multiple submitters, no conflicts (2 of 4 stars). 3 submissions from 3 submitters: Benign (1); Likely benign (1). 1 of the submissions does not count toward it. Last evaluated 2023-12-22.

Conditions:
PSTPIP1-related disorder. Also called: PSTPIP1-related condition.
Pyogenic arthritis-pyoderma gangrenosum-acne syndrome (PAPA). Also called: PAPA SYNDROME; FAMILIAL RECURRENT ARTHRITIS. Identifiers: Orphanet 69126, MedGen C1858361, MONDO:0011462, OMIM 604416.

Allele frequency attached by ClinVar (database versions not stated): gnomAD exomes 0.00005 and 0.00013; gnomAD 0.00008 and 0.00013; TOPMed 0.00017; 1000 Genomes Project 30x 0.00047; ExAC 0.00057; 1000 Genomes Project 0.00060.
gnomAD v4.1: 96 of 1,571,642 alleles (0.0061%); highest among the groups gnomAD compares: East Asian, 0.17%; no homozygotes.

Submissions (3):

Blueprint Genetics
Classification: Likely benign. Last evaluated: 2023-12-22. Review status: criteria provided, single submitter. Criteria: ACMG Guidelines, 2015. Collection method: clinical testing. Allele origin: germline.

Illumina Laboratory Services, Illumina
Classification: Benign for Pyogenic arthritis-pyoderma gangrenosum-acne syndrome. Last evaluated: 2018-01-13. Review status: criteria provided, single submitter. Criteria: ICSL Variant Classification Criteria 13 December 2019. Collection method: clinical testing. Allele origin: germline.
Comment: This variant was observed in the ICSL laboratory as part of a predisposition screen in an ostensibly healthy population. It had not been previously curated by ICSL or reported in the Human Gene Mutation Database (HGMD: prior to June 1st, 2018), and was therefore a candidate for classification through an automated scoring system. Utilizing variant allele frequency, disease prevalence and penetrance estimates, and inheritance mode, an automated score was calculated to assess if this variant is too frequent to cause the disease. Based on the score and internal cut-off values, a variant classified as benign is not then subjected to further curation. The score for this variant resulted in a classification of benign for this disease.

PreventionGenetics, part of Exact Sciences
Classification: Likely benign for PSTPIP1-related condition. Last evaluated: 2023-09-28. Review status: no assertion criteria provided. Collection method: clinical testing. Allele origin: germline. Not counted in ClinVar's aggregate classification.
Comment: This variant is classified as likely benign based on ACMG/AMP sequence variant interpretation guidelines (Richards et al. 2015 PMID: 25741868, with internal and published modifications).

NM_003978.5(PSTPIP1):c.-117C>T

Gene: PSTPIP1 (proline-serine-threonine phosphatase interacting protein 1; plus strand). Cytogenetic location: 15q24.3.
Variant type: single nucleotide variant.
Coding change: c.-117C>T on transcript NM_003978.5 (MANE Select); 117 bases upstream of the start codon, C replaced by T.
Molecular consequence: 5 prime UTR variant. On other transcripts: missense variant (1), non-coding transcript variant (1).
Genome position (GRCh38, 1-based): chr15:76,995,457, C>T. VCF-style: chr15-76995457-C-T. GRCh37 (hg19) VCF-style: chr15-77287798-C-T.
Other names: c.-117C>T (NM_001321135.2); c.-363C>T (NM_001321136.2); c.79C>T, p.Arg27Trp (NM_001321137.1); short protein forms R27W.
Identifiers: ClinVar variation 317169 (VCV000317169.8), dbSNP rs147120980, ClinGen allele CA7675608.
Genomic context (GRCh38, chr15:76,995,457, plus strand): 5'-CCCCTCAGAAGCTCCTCTCTGGCTCGTGGCTGCCTTCTGAGTGTTGCAGACGGCGCCGGC[C>T]GGGAAGGGGGGCCTGGGCCAGCCCTGCCAGGACTGGGACGCTGCTGCTGGCGCCTGGCCC-3'